The following is an entry in ClinVar:

ClinVar aggregate classification (germline): Likely pathogenic (1 of 4 stars; one submission).

Conditions:
Rauch-Steindl syndrome (RAUST). Identifiers: Orphanet 659642, MedGen C5562061, MONDO:0859219, OMIM 619695.

Submission:

Laboratorio de Genetica e Diagnostico Molecular, Hospital Israelita Albert Einstein
Classification: Likely pathogenic for Rauch-Steindl syndrome. Last evaluated: 2024-04-10. Review status: criteria provided, single submitter. Criteria: ACMG Guidelines, 2015. Collection method: clinical testing. Allele origin: germline. Affected: yes.
Comment: ACMG classification criteria: PVS1 very strong, PM2 supporting

NM_001042424.3(NSD2):c.2813del (p.Pro938fs)

Gene: NSD2 (nuclear receptor binding SET domain protein 2; plus strand). Cytogenetic location: 4p16.3.
Variant type: Deletion.
Coding change: c.2813del on transcript NM_001042424.3 (MANE Select); coding-DNA position 2813, one base deleted (C; older notation c.2813delC).
Protein change: p.Pro938fs; shifts the reading frame from proline 938.
Molecular consequence: frameshift variant.
Genome position (GRCh38, 1-based): chr4:1,956,120, C deleted; the last of 3 consecutive C bases (chr4:1,956,118-1,956,120); deleting any one gives the same sequence. VCF-style (leftmost placement, unchanged base first): chr4-1956117-TC-T. GRCh37 (hg19) VCF-style: chr4-1957844-TC-T.
Other names: c.2813del, p.Pro938fs (NM_133330.3, NM_133331.3, NM_133335.4); short protein forms P938fs.
Identifiers: ClinVar variation 4056687 (VCV004056687.1).